The following is an entry in ClinVar:

ClinVar aggregate classification (germline): Pathogenic (1 of 4 stars; one submission).

Submission:

GeneDx
Classification: Pathogenic. Last evaluated: 2013-12-03. Review status: criteria provided, single submitter. Criteria: GeneDx Variant Classification (06012015). Collection method: clinical testing. Allele origin: germline. Affected: yes.
Comment: The Cys984Stop mutation in the KCNH2 gene has not been reported as a disease-causing mutation or as a benign polymorphism to our knowledge. Cys984Stop is predicted to cause loss of normal protein function either by protein truncation or nonsense-mediated mRNA decay. Other nonsense mutations in the KCNH2 gene have been reported in association with LQTS. The variant is found in LQT panel(s).

NM_000238.4(KCNH2):c.2952C>A (p.Cys984Ter)

Gene: KCNH2 (potassium voltage-gated channel subfamily H member 2; minus strand). Cytogenetic location: 7q36.1.
Variant type: single nucleotide variant.
Coding change: c.2952C>A on transcript NM_000238.4 (MANE Select); coding-DNA position 2952, C replaced by A.
Protein change: p.Cys984Ter; replaces cysteine 984 with a stop codon.
Molecular consequence: nonsense. On other transcripts: non-coding transcript variant (2).
Genome position (GRCh38, 1-based): chr7:150,947,619, G>T on the plus strand (C>A on the coding strand, the complement: KCNH2 is on the minus strand). VCF-style: chr7-150947619-G-T. GRCh37 (hg19) VCF-style: chr7-150644707-G-T.
Other names: p.C984*:TGC>TGA; c.2664C>A, p.Cys888Ter (NM_001406753.1); c.1932C>A, p.Cys644Ter (NM_172057.3); short protein forms C644*, C984*, C888*.
Identifiers: ClinVar variation 200510 (VCV000200510.4), dbSNP rs776595927, ClinGen allele CA007683.